The following is an entry in ClinVar:

NM_017849.4(TMEM127):c.158G>A (p.Trp53Ter)

Gene: TMEM127 (transmembrane protein 127; minus strand). Cytogenetic location: 2q11.2.
Variant type: single nucleotide variant.
Coding change: c.158G>A on transcript NM_017849.4 (MANE Select); coding-DNA position 158, G replaced by A.
Protein change: p.Trp53Ter; replaces tryptophan 53 with a stop codon.
Molecular consequence: nonsense.
Genome position (GRCh38, 1-based): chr2:96,265,224, C>T on the plus strand (G>A on the coding strand, the complement: TMEM127 is on the minus strand). VCF-style: chr2-96265224-C-T. GRCh37 (hg19) VCF-style: chr2-96930962-C-T.
Other names: c.158G>A, p.Trp53Ter (NM_001193304.3); short protein forms W53*.
Identifiers: ClinVar variation 463839 (VCV000463839.13), dbSNP rs121908818, ClinGen allele CA347656002.

ClinVar aggregate classification (germline): Pathogenic/Likely pathogenic. Review status: criteria provided, multiple submitters, no conflicts (2 of 4 stars). 3 submissions from 3 submitters: Pathogenic (2); Likely pathogenic (1). Last evaluated 2024-01-20.

Conditions:
Hereditary cancer-predisposing syndrome. Also called: Neoplastic Syndromes, Hereditary; Hereditary neoplastic syndrome; Tumor predisposition; Hereditary Cancer Syndrome. Identifiers: Orphanet 140162, MedGen C0027672, MeSH D009386, MONDO:0015356.
Hereditary pheochromocytoma and paraganglioma. Also called: Hereditary Paraganglioma-Pheochromocytoma Syndromes; Hereditary paragangliomas and pheochromocytomas; Hereditary pheochromocytoma-paraganglioma. Identifiers: Orphanet 29072, MedGen C4274332, MONDO:0017366.

Submissions (3):

Labcorp Genetics (formerly Invitae), Labcorp
Classification: Pathogenic for Hereditary pheochromocytoma and paraganglioma. Last evaluated: 2024-01-20. Review status: criteria provided, single submitter. Criteria: Invitae Variant Classification Sherloc (09022015). Collection method: clinical testing. Allele origin: germline.
Comment: This sequence change creates a premature translational stop signal (p.Trp53*) in the TMEM127 gene. It is expected to result in an absent or disrupted protein product. Loss-of-function variants in TMEM127 are known to be pathogenic (PMID: 20154675, 21156949). This variant is not present in population databases (gnomAD no frequency). This variant has not been reported in the literature in individuals affected with TMEM127-related conditions. ClinVar contains an entry for this variant (Variation ID: 463839). For these reasons, this variant has been classified as Pathogenic.

Genetic Services Laboratory, University of Chicago
Classification: Likely pathogenic. Last evaluated: 2023-09-08. Review status: criteria provided, single submitter. Criteria: ACMG Guidelines, 2015. Collection method: clinical testing. Allele origin: germline. Affected: yes.
Comment: DNA sequence analysis of the TMEM127 gene demonstrated a sequence change, c.158G>A, which results in the creation of a premature stop codon at amino acid position 53, p.Trp53*. This pathogenic sequence change is predicted to result in an abnormal transcript, which may be degraded, or may lead to the production of a truncated TMEM127 protein with potentially abnormal function. This sequence change has not been described in the population databases such as ExAC and gnomAD. While this sequence change has not previously been described in the literature, other truncating variants in the TMEM127 gene have been described in several individuals with TMEM127-related disorders (PMID: 20154675, 21156949). These collective evidences indicate that this sequence change is likely pathogenic, however, functional studies have not been performed to prove this conclusively.

Ambry Genetics
Classification: Pathogenic for Hereditary cancer-predisposing syndrome. Last evaluated: 2023-07-18. Review status: criteria provided, single submitter. Criteria: Ambry Variant Classification Scheme 2023. Collection method: clinical testing. Allele origin: germline.
Comment: The p.W53* pathogenic mutation (also known as c.158G>A), located in coding exon 1 of the TMEM127 gene, results from a G to A substitution at nucleotide position 158. This changes the amino acid from a tryptophan to a stop codon within coding exon 1. This alteration is expected to result in loss of function by premature protein truncation or nonsense-mediated mRNA decay. As such, this alteration is interpreted as a disease-causing mutation.

Literature cited by the submitters: PubMed 20154675 (cited by Labcorp Genetics (formerly Invitae), Labcorp); PubMed 21156949 (cited by Labcorp Genetics (formerly Invitae), Labcorp).